The following is an entry in ClinVar:

NM_006618.5(KDM5B):c.906del (p.Ala303fs)

Gene: KDM5B (lysine demethylase 5B; minus strand). Cytogenetic location: 1q32.1.
Variant type: Deletion.
Coding change: c.906del on transcript NM_006618.5 (MANE Select); coding-DNA position 906, one base deleted (A; older notation c.906delA).
Protein change: p.Ala303fs; shifts the reading frame from alanine 303.
Molecular consequence: frameshift variant.
Genome position (GRCh38, 1-based): chr1:202,762,711, T deleted on the plus strand (A on the coding strand, the reverse complement: KDM5B is on the minus strand); the first of 6 consecutive T bases (chr1:202,762,711-202,762,716); deleting any one gives the same sequence. VCF-style (leftmost placement, unchanged base first): chr1-202762710-CT-C. GRCh37 (hg19) VCF-style: chr1-202731838-CT-C.
Other names: c.1014del, p.Ala339fs (NM_001314042.2); c.771del, p.Ala258fs (NM_001347591.2); c.891del, p.Ala298fs (NM_001399817.1); short protein forms A303fs, A339fs, A258fs, A298fs.
Identifiers: ClinVar variation 2265951 (VCV002265951.2), dbSNP rs1656300594, ClinGen allele CA422592298.

ClinVar aggregate classification (germline): Pathogenic (1 of 4 stars; one submission).

Conditions:
Inborn genetic diseases. Identifiers: MedGen C0950123, MeSH D030342.

Submission:

Ambry Genetics
Classification: Pathogenic for Inborn genetic diseases. Last evaluated: 2022-02-22. Review status: criteria provided, single submitter. Criteria: Ambry Variant Classification Scheme 2023. Collection method: clinical testing. Allele origin: germline.
Comment: The c.906delA (p.A303Pfs*37) alteration, located in exon 7 (coding exon 7) of the KDM5B gene, consists of a deletion of one nucleotide at position 906, causing a translational frameshift with a predicted alternate stop codon after 37 amino acids. This alteration is expected to result in loss of function by premature protein truncation or nonsense-mediated mRNA decay. This variant was not reported in population-based cohorts in the Genome Aggregation Database (gnomAD). Based on the available evidence, this alteration is classified as pathogenic.